The following is an entry in ClinVar:

NM_004444.5(EPHB4):c.390G>A (p.Trp130Ter)

Gene: EPHB4 (EPH receptor B4; minus strand). Cytogenetic location: 7q22.1.
Variant type: single nucleotide variant.
Coding change: c.390G>A on transcript NM_004444.5 (MANE Select); coding-DNA position 390, G replaced by A.
Protein change: p.Trp130Ter; replaces tryptophan 130 with a stop codon.
Molecular consequence: nonsense.
Genome position (GRCh38, 1-based): chr7:100,823,665, C>T on the plus strand (G>A on the coding strand, the complement: EPHB4 is on the minus strand). VCF-style: chr7-100823665-C-T. GRCh37 (hg19) VCF-style: chr7-100421287-C-T.
Other names: short protein forms W130*.
Identifiers: ClinVar variation 2796622 (VCV002796622.3), dbSNP rs2485049009, ClinGen allele CA368582366.
Genomic context (GRCh38, chr7:100,823,665, plus strand): 5'-CACCTTGGCTGTGGCTGAGCCCTGGGGGCACCCAGGTACCTTGATGTAGGGGTTCTCCAT[C>T]CAGGCTGGCGTGAGGGCCGTGGCCGTGTCCGCATCGCTCTCATAGTAGAAGACGGTGAAG-3'

ClinVar aggregate classification (germline): Pathogenic (1 of 4 stars; one submission).

Submission:

Labcorp Genetics (formerly Invitae), Labcorp
Classification: Pathogenic. Last evaluated: 2023-06-21. Review status: criteria provided, single submitter. Criteria: Invitae Variant Classification Sherloc (09022015). Collection method: clinical testing. Allele origin: germline.
Comment: This sequence change creates a premature translational stop signal (p.Trp130*) in the EPHB4 gene. It is expected to result in an absent or disrupted protein product. Loss-of-function variants in EPHB4 are known to be pathogenic (PMID: 28687708). This variant is not present in population databases (gnomAD no frequency). This premature translational stop signal has been observed in individual(s) with capillary malformations (PMID: 28687708). For these reasons, this variant has been classified as Pathogenic.

Literature cited by the submitters: PubMed 28687708.